The following is an entry in ClinVar:

ClinVar aggregate classification (germline): Uncertain significance (1 of 4 stars; one submission).

Submission:

Labcorp Genetics (formerly Invitae), Labcorp
Classification: Uncertain significance. Last evaluated: 2025-03-24. Review status: criteria provided, single submitter. Criteria: Invitae Variant Classification Sherloc (09022015). Collection method: clinical testing. Allele origin: germline.
Comment: This sequence change replaces aspartic acid, which is acidic and polar, with asparagine, which is neutral and polar, at codon 93 of the MED13 protein (p.Asp93Asn). This variant is not present in population databases (gnomAD no frequency). This variant has not been reported in the literature in individuals affected with MED13-related conditions. Invitae Evidence Modeling of protein sequence and biophysical properties (such as structural, functional, and spatial information, amino acid conservation, physicochemical variation, residue mobility, and thermodynamic stability) indicates that this missense variant is not expected to disrupt MED13 protein function with a negative predictive value of 80%. In summary, the available evidence is currently insufficient to determine the role of this variant in disease. Therefore, it has been classified as a Variant of Uncertain Significance.

NM_005121.3(MED13):c.277G>A (p.Asp93Asn)

Gene: MED13 (mediator complex subunit 13; minus strand). Cytogenetic location: 17q23.2.
Variant type: single nucleotide variant.
Coding change: c.277G>A on transcript NM_005121.3 (MANE Select); coding-DNA position 277, G replaced by A.
Protein change: p.Asp93Asn; replaces aspartic acid 93 with asparagine.
Molecular consequence: missense variant.
Genome position (GRCh38, 1-based): chr17:62,063,091, C>T on the plus strand (G>A on the coding strand, the complement: MED13 is on the minus strand). VCF-style: chr17-62063091-C-T. GRCh37 (hg19) VCF-style: chr17-60140452-C-T.
Other names: short protein forms D93N.
Identifiers: ClinVar variation 4746681 (VCV004746681.1).